The following is an entry in ClinVar:

ClinVar aggregate classification (germline): Uncertain significance. Review status: criteria provided, multiple submitters, no conflicts (2 of 4 stars). 4 submissions from 4 submitters: Uncertain significance (4). Last evaluated 2025-03-15.

Conditions:
DNAAF1-related disorder. Also called: DNAAF1-related condition.
Primary ciliary dyskinesia 13. Also called: CILIARY DYSKINESIA, PRIMARY, 13, WITH OR WITHOUT SITUS INVERSUS. Identifiers: Orphanet 244, MedGen C2750790, MONDO:0013174, OMIM 613193.
Primary ciliary dyskinesia. Also called: Ciliary dyskinesia. Identifiers: Orphanet 244, MedGen C0008780, MONDO:0016575, HP:0012265.

Allele frequency attached by ClinVar (database versions not stated): gnomAD exomes 0.00002 and 0.00004; ExAC 0.00004; TOPMed 0.00016; gnomAD 0.00022.
gnomAD v4.1: 62 of 1,613,704 alleles (0.0038%); highest among the groups gnomAD compares: African/African-American, 0.075%; no homozygotes.

Submissions (4):

PreventionGenetics, part of Exact Sciences
Classification: Uncertain significance for DNAAF1-related condition. Last evaluated: 2025-03-15. Review status: criteria provided, single submitter. Criteria: ACMG Guidelines, 2015. Collection method: clinical testing. Allele origin: germline.
Comment: The DNAAF1 c.1033G>C variant is predicted to result in the amino acid substitution p.Glu345Gln. This variant was reported in an individual with obesity (Table 3, Paz-Filho et al. 2014. PubMed ID: 25158045). This variant is reported in 0.064% of alleles in individuals of African descent in gnomAD. Although we suspect that this variant may be benign, at this time, the clinical significance of this variant is uncertain due to the absence of conclusive functional and genetic evidence.

Labcorp Genetics (formerly Invitae), Labcorp
Classification: Uncertain significance for Primary ciliary dyskinesia. Last evaluated: 2023-12-18. Review status: criteria provided, single submitter. Criteria: Invitae Variant Classification Sherloc (09022015). Collection method: clinical testing. Allele origin: germline.
Comment: This sequence change replaces glutamic acid, which is acidic and polar, with glutamine, which is neutral and polar, at codon 345 of the DNAAF1 protein (p.Glu345Gln). This variant is present in population databases (rs538389058, gnomAD 0.06%). This missense change has been observed in individual(s) with recurrent airway infections and severe obesity (PMID: 25158045). ClinVar contains an entry for this variant (Variation ID: 410282). An algorithm developed to predict the effect of missense changes on protein structure and function (PolyPhen-2) suggests that this variant¬†is likely to be tolerated. In summary, the available evidence is currently insufficient to determine the role of this variant in disease. Therefore, it has been classified as a Variant of Uncertain Significance.

Ambry Genetics
Classification: Uncertain significance for Primary ciliary dyskinesia. Last evaluated: 2018-05-14. Review status: criteria provided, single submitter. Criteria: Ambry Variant Classification Scheme 2023. Collection method: clinical testing. Allele origin: germline.
Comment: The p.E345Q variant (also known as c.1033G>C), located in coding exon 8 of the DNAAF1 gene, results from a G to C substitution at nucleotide position 1033. The glutamic acid at codon 345 is replaced by glutamine, an amino acid with highly similar properties. This alteration was reported in an individual with recurrent respiratory tract infection and severe early-onset obesity. The individual also had c.1698+1G>A in the DNAAF1 gene; however, the phase is unknown (Paz-Filho G et al. Genes (Basel), 2014 Aug;5:709-25). This amino acid position is well conserved in available vertebrate species. In addition, this alteration is predicted to be tolerated by in silico analysis. Since supporting evidence is limited at this time, the clinical significance of this alteration remains unclear.

Illumina Laboratory Services, Illumina
Classification: Uncertain significance for Primary ciliary dyskinesia 13. Last evaluated: 2017-04-27. Review status: criteria provided, single submitter. Criteria: ICSL Variant Classification Criteria 13 December 2019. Collection method: clinical testing. Allele origin: germline.

Literature cited by the submitters: PubMed 25158045 (cited by Labcorp Genetics (formerly Invitae), Labcorp and Ambry Genetics).

NM_178452.6(DNAAF1):c.1033G>C (p.Glu345Gln)

Gene: DNAAF1 (dynein axonemal assembly factor 1; plus strand). Cytogenetic location: 16q24.1.
Variant type: single nucleotide variant.
Coding change: c.1033G>C on transcript NM_178452.6 (MANE Select); coding-DNA position 1033, G replaced by C.
Protein change: p.Glu345Gln; replaces glutamic acid 345 with glutamine.
Molecular consequence: missense variant.
Genome position (GRCh38, 1-based): chr16:84,169,861, G>C. VCF-style: chr16-84169861-G-C. GRCh37 (hg19) VCF-style: chr16-84203467-G-C.
Other names: c.325G>C, p.Glu109Gln (NM_001318756.1); c.1033G>C (NM_178452.5); short protein forms E345Q, E109Q.
Identifiers: ClinVar variation 410282 (VCV000410282.15), dbSNP rs538389058, ClinGen allele CA8202749.
Genomic context (GRCh38, chr16:84,169,861, plus strand): 5'-AAACACCCTTGTCCTCCCAGGACACTCCCACATTCACCTTTGCATTTTCTGCCATTAGGG[G>C]AGATGACATCTTCAGATGATGGTGAGAATGTGCCCGCCAGTGCGGAAGGCAAGGAGGAGC-3'
Protein context (NP_848547.4, residues 335-355): KRQRESQERG[Glu345Gln]MTSSDDGENV